The following is an entry in ClinVar:

ClinVar aggregate classification (germline): Conflicting classifications of pathogenicity. Review status: criteria provided, conflicting classifications (1 of 4 stars). 2 submissions from 2 submitters: Uncertain significance (1); Likely benign (1). Last evaluated 2024-08-02.

Conditions:
Familial cancer of breast. Also called: BREAST CANCER, FAMILIAL; hereditary breast carcinoma; Hereditary breast cancer. Identifiers: Orphanet 227535, MedGen C0346153, MONDO:0016419, OMIM 114480. Disease mechanism: loss of function.
Hereditary cancer-predisposing syndrome. Also called: Neoplastic Syndromes, Hereditary; Tumor predisposition; Hereditary Cancer Syndrome; Hereditary neoplastic syndrome. Identifiers: Orphanet 140162, MedGen C0027672, MeSH D009386, MONDO:0015356.

gnomAD v4.1: 1 of 1,596,204 alleles (0.000063%); highest among the groups gnomAD compares: Non-Finnish European, 0.000085%; no homozygotes.

Submissions (2):

Ambry Genetics
Classification: Likely benign for Hereditary cancer-predisposing syndrome. Last evaluated: 2024-08-02. Review status: criteria provided, single submitter. Criteria: Ambry Variant Classification Scheme 2023. Collection method: clinical testing. Allele origin: germline.

Labcorp Genetics (formerly Invitae), Labcorp
Classification: Uncertain significance for Familial cancer of breast. Last evaluated: 2023-02-13. Review status: criteria provided, single submitter. Criteria: Invitae Variant Classification Sherloc (09022015). Collection method: clinical testing. Allele origin: germline.
Comment: In summary, the available evidence is currently insufficient to determine the role of this variant in disease. Therefore, it has been classified as a Variant of Uncertain Significance. Algorithms developed to predict the effect of missense changes on protein structure and function output the following: SIFT: "Tolerated"; PolyPhen-2: "Benign"; Align-GVGD: "Class C0". The threonine amino acid residue is found in multiple mammalian species, which suggests that this missense change does not adversely affect protein function. ClinVar contains an entry for this variant (Variation ID: 232464). This variant has not been reported in the literature in individuals affected with CHEK2-related conditions. This variant is not present in population databases (gnomAD no frequency). This sequence change replaces alanine, which is neutral and non-polar, with threonine, which is neutral and polar, at codon 540 of the CHEK2 protein (p.Ala540Thr).

NM_007194.4(CHEK2):c.1618G>A (p.Ala540Thr)

Gene: CHEK2 (checkpoint kinase 2; minus strand). Cytogenetic location: 22q12.1.
Variant type: single nucleotide variant.
Coding change: c.1618G>A on transcript NM_007194.4 (MANE Select); coding-DNA position 1618, G replaced by A.
Protein change: p.Ala540Thr; replaces alanine 540 with threonine.
Molecular consequence: missense variant.
Genome position (GRCh38, 1-based): chr22:28,687,911, C>T on the plus strand (G>A on the coding strand, the complement: CHEK2 is on the minus strand). VCF-style: chr22-28687911-C-T. GRCh37 (hg19) VCF-style: chr22-29083899-C-T.
Other names: c.1747G>A, p.Ala583Thr (NM_001005735.3); c.955G>A, p.Ala319Thr (NM_001257387.3); c.1417G>A, p.Ala473Thr (NM_001349956.3); c.1531G>A, p.Ala511Thr (NM_145862.3); short protein forms A540T, A583T, A473T, A319T, A511T.
Identifiers: ClinVar variation 232464 (VCV000232464.14), dbSNP rs767414081, ClinGen allele CA10581020.
Genomic context (GRCh38, chr22:28,687,911, plus strand): 5'-ACAGAGTGAAAGAAGGTACATTTCTTTCGTGTTCAAACCACGGAGTTCACAACACAGCAG[C>T]ACACACAGCTGGGCGCTTTGTGGTCTCGGCACCCTCGGCTTCCCCTTCACGGGGCCGCTT-3'
Protein context (NP_009125.1, residues 530-543): AETTKRPAVC[Ala540Thr]AVL